The following is an entry in ClinVar:

NM_000824.5(GLRB):c.848T>C (p.Leu283Pro)

Gene: GLRB (glycine receptor beta; plus strand). Cytogenetic location: 4q32.1.
Variant type: single nucleotide variant.
Coding change: c.848T>C on transcript NM_000824.5 (MANE Select); coding-DNA position 848, T replaced by C.
Protein change: p.Leu283Pro; replaces leucine 283 with proline.
Molecular consequence: missense variant.
Genome position (GRCh38, 1-based): chr4:157,143,903, T>C. VCF-style: chr4-157143903-T-C. GRCh37 (hg19) VCF-style: chr4-158065055-T-C.
Other names: c.848T>C (NM_000824.4); c.848T>C, p.Leu283Pro (NM_001166060.2, NM_001166061.2); short protein forms L283P.
Identifiers: ClinVar variation 1503636 (VCV001503636.9), dbSNP rs1736709198, ClinGen allele CA358644068.

ClinVar aggregate classification (germline): Uncertain significance. Review status: criteria provided, multiple submitters, no conflicts (2 of 4 stars). 2 submissions from 2 submitters: Uncertain significance (2). Last evaluated 2023-12-06.

Conditions:
Inborn genetic diseases. Identifiers: MedGen C0950123, MeSH D030342.
Hyperekplexia 2 (HKPX2). Identifiers: Orphanet 3197, MedGen C3553291, MONDO:0013828, OMIM 614619.

Allele frequency attached by ClinVar (database versions not stated): TOPMed 0.00001.

Submissions (2):

Ambry Genetics
Classification: Uncertain significance for Inborn genetic diseases. Last evaluated: 2023-12-06. Review status: criteria provided, single submitter. Criteria: Ambry Variant Classification Scheme 2023. Collection method: clinical testing. Allele origin: germline.

Labcorp Genetics (formerly Invitae), Labcorp
Classification: Uncertain significance for Hyperekplexia 2. Last evaluated: 2022-02-03. Review status: criteria provided, single submitter. Criteria: Invitae Variant Classification Sherloc (09022015). Collection method: clinical testing. Allele origin: germline.
Comment: In summary, the available evidence is currently insufficient to determine the role of this variant in disease. Therefore, it has been classified as a Variant of Uncertain Significance. Advanced modeling of protein sequence and biophysical properties (such as structural, functional, and spatial information, amino acid conservation, physicochemical variation, residue mobility, and thermodynamic stability) performed at Invitae indicates that this missense variant is expected to disrupt GLRB protein function. This variant has not been reported in the literature in individuals affected with GLRB-related conditions. This variant is not present in population databases (gnomAD no frequency). This sequence change replaces leucine, which is neutral and non-polar, with proline, which is neutral and non-polar, at codon 283 of the GLRB protein (p.Leu283Pro).